The following is an entry in ClinVar:

ClinVar aggregate classification (germline): Pathogenic/Likely pathogenic. Review status: criteria provided, multiple submitters, no conflicts (2 of 4 stars). 11 submissions from 11 submitters: Pathogenic (8); Likely pathogenic (1). 2 of the submissions do not count toward it. Last evaluated 2025-12-02.

Conditions:
Hereditary cancer-predisposing syndrome. Also called: Hereditary Cancer Syndrome; Hereditary neoplastic syndrome; Neoplastic Syndromes, Hereditary; Tumor predisposition. Identifiers: Orphanet 140162, MedGen C0027672, MeSH D009386, MONDO:0015356.
Breast-ovarian cancer, familial, susceptibility to, 1 (BROVCA1). Also called: BRCA1 Hereditary Breast and Ovarian Cancer; OVARIAN CANCER, SUSCEPTIBILITY TO. Identifiers: Orphanet 145, MedGen C2676676, MONDO:0011450, OMIM 604370. Disease mechanism: loss of function.
Hereditary breast ovarian cancer syndrome. Also called: BRCA1- and BRCA2-Associated Hereditary Breast and Ovarian Cancer; Hereditary breast and ovarian cancer syndrome; Hereditary breast and ovarian cancer syndrome (HBOC); Breast and ovarian cancer; Hereditary breast and/or ovarian cancer syndrome; Hereditary breast and ovarian cancer. Identifiers: Orphanet 145, MedGen C0677776, MeSH D061325, MONDO:0003582. Disease mechanism: loss of function.

Submissions 1 to 7 of 11:

Labcorp Genetics (formerly Invitae), Labcorp
Classification: Pathogenic for Hereditary breast ovarian cancer syndrome. Last evaluated: 2025-12-02. Review status: criteria provided, single submitter. Criteria: Invitae Variant Classification Sherloc (09022015). Collection method: clinical testing. Allele origin: germline.
Comment: This sequence change affects a splice site in intron 19 of the BRCA1 gene. RNA analysis indicates that disruption of this splice site induces altered splicing and likely results in a shortened protein product. This variant is not present in population databases (gnomAD no frequency). Disruption of this splice site has been observed in individual(s) with breast and/or ovarian cancer (PMID: 11149413, 11802208, 11802209, 29446198, 30720863). ClinVar contains an entry for this variant (Variation ID: 91644). Studies have shown that disruption of this splice site results in skipping of exon 20 (also known as exon 19), but is expected to preserve the integrity of the reading-frame (PMID: 24667779). This variant disrupts the p.Gly1738 amino acid residue in BRCA1. Other variant(s) that disrupt this residue have been determined to be pathogenic (PMID: 15353005, 16489001, 17453335, 17902052, 18465347, 21918854, 23113073, 23536787, 24010542). This suggests that this residue is clinically significant, and that variants that disrupt this residue are likely to be disease-causing. For these reasons, this variant has been classified as Pathogenic.

Women's Health and Genetics/Laboratory Corporation of America, LabCorp
Classification: Pathogenic for Hereditary breast ovarian cancer syndrome. Last evaluated: 2025-08-25. Review status: criteria provided, single submitter. Criteria: LabCorp Variant Classification Summary - May 2015. Collection method: clinical testing. Allele origin: germline.
Comment: Variant summary: BRCA1 c.5277+1delG is located in a canonical splice-site and is predicted to affect mRNA splicing resulting in a significantly altered protein due to either exon skipping, shortening, or inclusion of intronic material. Variants that disrupt the consensus splice site are a relatively common cause of aberrant splicing and loss of BRCA1 function. Several computational tools predict a significant impact on normal splicing: Three predict the variant weakens the canonical 5' splicing donor site. Two predict the variant abolishes the canonical 5' splicing donor site. However, these predictions have yet to be confirmed by functional studies. The variant was absent in 251494 control chromosomes. c.5277+1delG has been reported in the literature in individuals affected with features of Hereditary Breast And Ovarian Cancer, in a reference laboratory testing cohort and in at-least one report of its occurrence in settings of Triple Negative Breast Cancer (TNBC) (example, Judkins_2005, Heidemann_2012, LaDuca_2014, Rebbeck_2018, Vietri_2020, Villarreal-Garza_2021). One of these citations reported this variant in double heterozygosity with another pathogenic variant in the BRCA2 gene in one family (BRCA2, c.658_659delGT;p.Val220IlefsX4, Heidemann_2012 cited in Vietri_2020). These data indicate that the variant is likely to be associated with disease with a variable penetrance. The following publications have been ascertained in the context of this evaluation (PMID: 22535016, 16267036, 28152038, 29446198, 33287145, 35875314, 26659639). ClinVar contains an entry for this variant (Variation ID: 91644). Based on the evidence outlined above, the variant was classified as pathogenic.

Baylor Genetics
Classification: Pathogenic for Breast-ovarian cancer, familial, susceptibility to, 1. Last evaluated: 2024-02-21. Review status: criteria provided, single submitter. Criteria: ACMG Guidelines, 2015. Collection method: clinical testing. Allele origin: unknown.

GeneDx
Classification: Pathogenic. Last evaluated: 2023-09-28. Review status: criteria provided, single submitter. Criteria: GeneDx Variant Classification Process June 2021. Collection method: clinical testing. Allele origin: germline. Affected: yes.
Comment: Canonical splice site variant predicted to result in an in-frame loss of the adjacent exon in a gene for which loss of function is a known mechanism of disease; Observed in an individual with triple negative breast cancer (Villarreal-Garza et al., 2021); Deletions involving coding exons of this gene are a known mechanism of disease (HGMD); Not observed at significant frequency in large population cohorts (gnomAD); Disrupts the critical BRCT 2 domain (UniProt); Also known as 5396+1delG; IVS20+1delG; This variant is associated with the following publications: (PMID: 28152038, 22535016, 30787465, 35875314, 25348405, 29446198, 16267036, 33287145)

Ambry Genetics
Classification: Pathogenic for Hereditary cancer-predisposing syndrome. Last evaluated: 2023-06-14. Review status: criteria provided, single submitter. Criteria: Ambry Variant Classification Scheme 2023. Collection method: clinical testing. Allele origin: germline.
Comment: The c.5277+1delG intronic pathogenic mutation, located in intron 18 of the BRCA1 gene, results from a deletion of one nucleotide within intron 18 of the BRCA1 gene. This nucleotide position is highly conserved in available vertebrate species. This mutation has been identified in a Hispanic family with HBOC (Rebbeck TR et al. Hum Mutat, 2018 05;39:593-620). This variant is considered to be rare based on population cohorts in the Genome Aggregation Database (gnomAD). In silico splice site analysis predicts that this alteration will weaken the native splice donor site and will result in the creation or strengthening of a novel splice donor site. Alterations that disrupt the canonical splice site are expected to cause aberrant splicing, resulting in an abnormal protein or a transcript that is subject to nonsense-mediated mRNA decay, however, direct evidence is insufficient at this time (Ambry internal data). Based on the supporting evidence, this alteration is interpreted as a disease-causing mutation.

Color Diagnostics, LLC DBA Color Health
Classification: Likely pathogenic for Hereditary cancer-predisposing syndrome. Last evaluated: 2023-02-01. Review status: criteria provided, single submitter. Criteria: ACMG Guidelines, 2015. Collection method: clinical testing. Allele origin: germline.
Comment: This variant causes a deletion of 1-nucleotide in the intron 19 splice donor site of the BRCA1 gene. Splice site prediction tools predict that this variant has a significant impact on RNA splicing by disrupting the splice donor site and the creation of a cryptic donor site that would result in out-of-frame splicing. Although RNA studies have not been reported for this variant, this variant is expected to result in an absent or non-functional protein product. Canonical splice site variants at this donor site, c.5277+1G>A and c.5277+1G>T, have been reported as disease-causing in ClinVar due to evidence of RNA splicing defect, reports in multiple individuals and families affected with breast and ovarian cancer and loss-of-function in experimental functional study (ClinVar variation ID: 37654, 462668). This variant has been reported in an individual affected with triple-negative breast cancer (PMID: 35875314) and in suspected hereditary breast and ovarian cancer families (PMID: 29446198; ClinVar RCV000077161.9, RCV000236858.5). This variant also has been reported in an individual with a BRCA2 deleterious truncation covariant who was affected with ovarian and colorectal cancer (PMID: 22535016). This variant has not been identified in the general population by the Genome Aggregation Database (gnomAD). Loss of BRCA1 function is a known mechanism of disease. Based on the available evidence, this variant is classified as Likely Pathogenic.

Quest Diagnostics Nichols Institute San Juan Capistrano
Classification: Pathogenic. Last evaluated: 2021-05-05. Review status: criteria provided, single submitter. Criteria: Quest Diagnostics criteria. Collection method: clinical testing. Allele origin: unknown.
Comment: This variant disrupts a canonical splice-donor site and interferes with normal BRCA1 mRNA splicing. This variant has not been reported in large, multi-ethnic general populations (Genome Aggregation Database). In the published literature, this variant has been reported in a family affected with hereditary breast/ovarian cancer as well as individuals who underwent genetic testing (PMID: 16267036 (2005), 29446198 (2018)). Based on the available information, this variant is classified as pathogenic.

NM_007294.4(BRCA1):c.5277+1del

Gene: BRCA1 (BRCA1 DNA repair associated; minus strand). Cytogenetic location: 17q21.31.
Variant type: Deletion.
Coding change: c.5277+1del on transcript NM_007294.4 (MANE Select); the canonical splice donor site of the intron after coding-DNA position 5277, one base deleted (G; older notation c.5277+1delG).
Molecular consequence: splice donor variant.
Genome position (GRCh38, 1-based): chr17:43,057,051, C deleted on the plus strand (G on the coding strand, the reverse complement: BRCA1 is on the minus strand); the first of 2 consecutive C bases (chr17:43,057,051-43,057,052); deleting either gives the same sequence. VCF-style (leftmost placement, unchanged base first): chr17-43057050-AC-A. GRCh37 (hg19) VCF-style: chr17-41209067-AC-A.
Other names: IVS20+1delG; c.5277+1delG (NM_007294.3); c.5133+1del (NM_001407741.1, NM_001407751.1, NM_001407740.1 and 21 more transcripts); c.1887+1del (NM_001408415.1, NM_001408416.1, NM_001408414.1 and 2 more transcripts); c.1755+1del (NM_001408483.1, NM_001408482.1, NM_001408484.1 and 5 more transcripts); c.5271+1del (NM_001407634.1, NM_001407629.1, NM_001407636.1 and 14 more transcripts); c.5274+1del (NM_001407610.1, NM_001407621.1, NM_001407612.1 and 17 more transcripts); c.1842+1del (NM_001408442.1, NM_001408434.1, NM_001408440.1 and 10 more transcripts); and 74 more.
Identifiers: ClinVar variation 91644 (VCV000091644.35), dbSNP rs273901754, ClinGen allele CA003418.
Genomic context (GRCh38, chr17:43,057,050, plus strand): 5'-AGGGGAGTGGAATACAGAGTGGTGGGGTGAGATTTTTGTCAACTTGAGGGAGGGAGCTTT[AC>A]CTTTCTGTCCTGGGATTCTCTTGCTCGCTTTGGACCTTGGTGGTTTCTTCCATTGACCAC-3'